The following is an entry in ClinVar:

NM_001370658.1(BTD):c.-148C>T

Gene: BTD (biotinidase; plus strand). Cytogenetic location: 3p25.1.
Variant type: single nucleotide variant.
Coding change: c.-148C>T on transcript NM_001370658.1 (MANE Select); 148 bases upstream of the start codon, C replaced by T.
Molecular consequence: 5 prime UTR variant. On other transcripts: genic upstream transcript variant (2), non-coding transcript variant (2), intron variant (1).
Genome position (GRCh38, 1-based): chr3:15,601,763, C>T. VCF-style: chr3-15601763-C-T. GRCh37 (hg19) VCF-style: chr3-15643270-C-T.
Other names: c.-300G>A (NM_001284413.1, NM_001284415.1, NM_001284416.1 and 1 more transcripts); c.-88C>T (NM_000060.4); c.-24C>T (NM_001281723.3); c.-336C>T (NM_001281724.3); c.-148C>T (NM_001281726.3, NM_001370752.1, NM_001370753.1 and 3 more transcripts); c.-424C>T (NM_001323582.2, NM_001407384.1); c.-713C>T (NM_001407366.1); c.-300C>T (NM_001407367.1, NM_001407383.1, NM_001407394.1); and 9 more.
Identifiers: ClinVar variation 343901 (VCV000343901.13), dbSNP rs774964227, ClinGen allele CA2277149.

ClinVar aggregate classification (germline): Conflicting classifications of pathogenicity. Review status: criteria provided, conflicting classifications (1 of 4 stars). 3 submissions from 3 submitters: Pathogenic (1); Uncertain significance (1). 1 of the submissions does not count toward it. Last evaluated 2024-09-05.

Conditions:
Biotinidase deficiency. Also called: BTD deficiency; Late-onset biotin-responsive multiple carboxylase deficiency; Biotin deficiency. Identifiers: Orphanet 79241, MedGen C0220754, MONDO:0009665, OMIM 253260.

Allele frequency attached by ClinVar (database versions not stated): gnomAD exomes 0.00021 and 0.00035; gnomAD 0.00022; TOPMed 0.00022; ExAC 0.00035.
gnomAD v4.1: 537 of 1,605,870 alleles (0.033%); highest among the groups gnomAD compares: Non-Finnish European, 0.044%; 1 homozygote.

Submissions (3):

Blueprint Genetics
Classification: Uncertain significance. Last evaluated: 2024-09-05. Review status: criteria provided, single submitter. Criteria: ACMG Guidelines, 2015. Collection method: clinical testing. Allele origin: germline.

Elsea Laboratory, Baylor College of Medicine
Classification: Pathogenic for Biotinidase deficiency. Last evaluated: 2020-04-01. Review status: criteria provided, single submitter. Criteria: ACMG Guidelines, 2015. Collection method: clinical testing. Allele origin: germline. Affected: no.

Department of Pathology and Laboratory Medicine, Sinai Health System
Classification: Uncertain significance. Review status: no assertion criteria provided. Collection method: clinical testing. Allele origin: unknown. Affected: yes. Study: The Canadian Open Genetics Repository (COGR). Not counted in ClinVar's aggregate classification.
Comment: The BTD p.Gln15X variant was not identified in the literature nor was it identified in Cosmic or LOVD 3.0. The variant was identified in dbSNP (ID: rs774964227) and in ClinVar (classified as a VUS by Illumina Clinical Services Laboratory for biotinidase deficiency). The variant was identified in 58 of 266954 chromosomes at a frequency of 0.000217 (Genome Aggregation Database Feb 27, 2017). The variant was observed in the following populations: European (non-Finnish) in 56 of 121054 chromosomes (freq: 0.000463) and African in 2 of 22888 chromosomes (freq: 0.000087); it was not observed in the Latino, Ashkenazi Jewish, East Asian, European (Finnish), Other and South Asian populations. The c.43C>T variant leads to a premature stop codon at position 15 which is predicted to lead to a truncated or absent protein and loss of function. Loss of function variants of the BTD gene are an established mechanism of disease in biotinidase deficiency and, in the homozygous or compound heterozygous state, are the type of variant expected to cause the disorder. However, on other BTD transcripts, such as NM_000060, this variant is found within the 5' UTR and therefore would not be expected to cause loss of function. In summary, based on the above information the clinical significance of this variant cannot be determined with certainty at this time. This variant is classified as a variant of uncertain significance.